The following is an entry in ClinVar:

NM_021961.6(TEAD1):c.893T>C (p.Ile298Thr)

Gene: TEAD1 (TEA domain transcription factor 1; plus strand). Cytogenetic location: 11p15.3.
Variant type: single nucleotide variant.
Coding change: c.893T>C on transcript NM_021961.6 (MANE Select); coding-DNA position 893, T replaced by C.
Protein change: p.Ile298Thr; replaces isoleucine 298 with threonine.
Molecular consequence: missense variant.
Genome position (GRCh38, 1-based): chr11:12,924,931, T>C. VCF-style: chr11-12924931-T-C. GRCh37 (hg19) VCF-style: chr11-12946478-T-C.
Other names: short protein forms I298T.
Identifiers: ClinVar variation 4742928 (VCV004742928.1).
Genomic context (GRCh38, chr11:12,924,931, plus strand): 5'-GGATGAGAGAATAACCCACACCTCCATTTCCTTTCCAACAGGCTGATTTAAACTGCAATA[T>C]TCAAGATGATGCTGGGGCTTTTTATGGTGTAACCAGTCAGTACGAGAGTTCTGAAAATAT-3'
Protein context (NP_068780.2, residues 288-308): VKFWADLNCN[Ile298Thr]QDDAGAFYGV

ClinVar aggregate classification (germline): Uncertain significance (1 of 4 stars; one submission).

Submission:

Labcorp Genetics (formerly Invitae), Labcorp
Classification: Uncertain significance. Last evaluated: 2025-02-27. Review status: criteria provided, single submitter. Criteria: Invitae Variant Classification Sherloc (09022015). Collection method: clinical testing. Allele origin: germline.
Comment: This sequence change replaces isoleucine, which is neutral and non-polar, with threonine, which is neutral and polar, at codon 298 of the TEAD1 protein (p.Ile298Thr). This variant is not present in population databases (gnomAD no frequency). This variant has not been reported in the literature in individuals affected with TEAD1-related conditions. Invitae Evidence Modeling of protein sequence and biophysical properties (such as structural, functional, and spatial information, amino acid conservation, physicochemical variation, residue mobility, and thermodynamic stability) indicates that this missense variant is not expected to disrupt TEAD1 protein function with a negative predictive value of 80%. In summary, the available evidence is currently insufficient to determine the role of this variant in disease. Therefore, it has been classified as a Variant of Uncertain Significance.